The following is an entry in ClinVar:

NM_000059.4(BRCA2):c.4208_4212del (p.Thr1403fs)

Gene: BRCA2 (BRCA2 DNA repair associated; plus strand). Cytogenetic location: 13q13.1.
Variant type: Deletion.
Coding change: c.4208_4212del on transcript NM_000059.4 (MANE Select); coding-DNA positions 4208 to 4212, 5 bases deleted (CTTCA; older notation c.4208_4212delCTTCA).
Protein change: p.Thr1403fs; shifts the reading frame from threonine 1403.
Molecular consequence: frameshift variant.
Genome position (GRCh38, 1-based): chr13:32,338,563-32,338,567, CTTCA deleted; deleting any 5 consecutive bases within chr13:32,338,562-32,338,567 gives the same sequence; the c. name uses the placement nearest the transcript's 3' end. VCF-style (leftmost placement, unchanged base first): chr13-32338561-TACTTC-T. GRCh37 (hg19) VCF-style: chr13-32912698-TACTTC-T.
Other names: c.4208_4212delCTTCA (NM_000059.3); short protein forms T1403fs.
Identifiers: ClinVar variation 1076181 (VCV001076181.12), dbSNP rs2137503987, ClinGen allele CA2499222159.

ClinVar aggregate classification (germline): Pathogenic. Review status: criteria provided, multiple submitters, no conflicts (2 of 4 stars). 2 submissions from 2 submitters: Pathogenic (2). Last evaluated 2026-02-27.

Conditions:
Hereditary cancer-predisposing syndrome. Also called: Hereditary Cancer Syndrome; Neoplastic Syndromes, Hereditary; Tumor predisposition; Hereditary neoplastic syndrome. Identifiers: Orphanet 140162, MedGen C0027672, MeSH D009386, MONDO:0015356.
Hereditary breast ovarian cancer syndrome. Also called: Breast and ovarian cancer; Hereditary breast and ovarian cancer; Hereditary breast and ovarian cancer syndrome (HBOC); BRCA1- and BRCA2-Associated Hereditary Breast and Ovarian Cancer; Hereditary breast and ovarian cancer syndrome; Hereditary breast and/or ovarian cancer syndrome. Identifiers: Orphanet 145, MedGen C0677776, MeSH D061325, MONDO:0003582. Disease mechanism: loss of function.

Submissions (2):

Ambry Genetics
Classification: Pathogenic for Hereditary cancer-predisposing syndrome. Last evaluated: 2026-02-27. Review status: criteria provided, single submitter. Criteria: Ambry Variant Classification Scheme 2023. Collection method: clinical testing. Allele origin: germline.
Comment: The c.4208_4212delCTTCA variant, located in coding exon 10 of the BRCA2 gene, results from a deletion of 5 nucleotides at nucleotide positions 4208 to 4212, causing a translational frameshift with a predicted alternate stop codon (p.T1403Kfs*2). This variant is considered to be rare based on population cohorts in the Genome Aggregation Database (gnomAD). This alteration is expected to result in loss of function by premature protein truncation or nonsense-mediated mRNA decay. As such, this alteration is interpreted as a disease-causing mutation.

Labcorp Genetics (formerly Invitae), Labcorp
Classification: Pathogenic for Hereditary breast ovarian cancer syndrome. Last evaluated: 2025-07-14. Review status: criteria provided, single submitter. Criteria: Invitae Variant Classification Sherloc (09022015). Collection method: clinical testing. Allele origin: germline.
Comment: This sequence change creates a premature translational stop signal (p.Thr1403Lysfs*2) in the BRCA2 gene. It is expected to result in an absent or disrupted protein product. Loss-of-function variants in BRCA2 are known to be pathogenic (PMID: 20104584). This variant is not present in population databases (gnomAD no frequency). This premature translational stop signal has been observed in individual(s) with melanoma and renal cell carcinoma (PMID: 31227566). ClinVar contains an entry for this variant (Variation ID: 1076181). For these reasons, this variant has been classified as Pathogenic.

Literature cited by the submitters: PubMed 20104584 (cited by Labcorp Genetics (formerly Invitae), Labcorp); PubMed 31227566 (cited by Labcorp Genetics (formerly Invitae), Labcorp).